The following is an entry in ClinVar:

ClinVar aggregate classification (germline): Uncertain significance (1 of 4 stars; one submission).

Submission:

Labcorp Genetics (formerly Invitae), Labcorp
Classification: Uncertain significance. Last evaluated: 2022-05-03. Review status: criteria provided, single submitter. Criteria: Invitae Variant Classification Sherloc (09022015). Collection method: clinical testing. Allele origin: germline.
Comment: In summary, the available evidence is currently insufficient to determine the role of this variant in disease. Therefore, it has been classified as a Variant of Uncertain Significance. Algorithms developed to predict the effect of missense changes on protein structure and function are either unavailable or do not agree on the potential impact of this missense change (SIFT: "Tolerated"; PolyPhen-2: "Possibly Damaging"; Align-GVGD: "Class C0"). This variant has not been reported in the literature in individuals affected with SLC7A14-related conditions. This variant is not present in population databases (gnomAD no frequency). This sequence change replaces proline, which is neutral and non-polar, with glutamine, which is neutral and polar, at codon 31 of the SLC7A14 protein (p.Pro31Gln).

NM_020949.3(SLC7A14):c.92C>A (p.Pro31Gln)

Genes: SLC7A14-AS1 (SLC7A14 antisense RNA 1; plus strand), SLC7A14 (solute carrier family 7 member 14; minus strand). Cytogenetic location: 3q26.2.
Variant type: single nucleotide variant.
Coding change: c.92C>A on transcript NM_020949.3 (MANE Select); coding-DNA position 92, C replaced by A.
Protein change: p.Pro31Gln; replaces proline 31 with glutamine.
Molecular consequence: missense variant.
Genome position (GRCh38, 1-based): chr3:170,526,845, G>T on the plus strand (C>A on the coding strand, the complement: SLC7A14 is on the minus strand). VCF-style: chr3-170526845-G-T. GRCh37 (hg19) VCF-style: chr3-170244634-G-T.
Other names: short protein forms P31Q.
Identifiers: ClinVar variation 2073760 (VCV002073760.4), dbSNP rs755284047, ClinGen allele CA355520240.